The following is an entry in ClinVar:

NM_030928.4(CDT1):c.976G>C (p.Asp326His)

Gene: CDT1 (chromatin licensing and DNA replication factor 1; plus strand). Cytogenetic location: 16q24.3.
Variant type: single nucleotide variant.
Coding change: c.976G>C on transcript NM_030928.4 (MANE Select); coding-DNA position 976, G replaced by C.
Protein change: p.Asp326His; replaces aspartic acid 326 with histidine.
Molecular consequence: missense variant.
Genome position (GRCh38, 1-based): chr16:88,806,528, G>C. VCF-style: chr16-88806528-G-C. GRCh37 (hg19) VCF-style: chr16-88872936-G-C.
Other names: short protein forms D326H.
Identifiers: ClinVar variation 5019010 (VCV005019010.2).

ClinVar aggregate classification (germline): Uncertain significance (1 of 4 stars; one submission).

Conditions:
Meier-Gorlin syndrome 4 (MGORS4). Identifiers: Orphanet 2554, MedGen C3151120, MONDO:0013431, OMIM 613804.

Submission:

Juno Genomics, Hangzhou Juno Genomics, Inc
Classification: Uncertain significance for Meier-Gorlin syndrome 4. Review status: criteria provided, single submitter. Criteria: ACMG Guidelines, 2015. Collection method: clinical testing. Allele origin: germline.
Comment: Absent from controls (or at extremely low frequency if recessive) in Genome Aggregation Database.